The following is an entry in ClinVar:

ClinVar aggregate classification (germline): Uncertain significance (1 of 4 stars; one submission).

Conditions:
Cardiovascular phenotype. Identifiers: MedGen CN230736.

Submission:

Ambry Genetics
Classification: Uncertain significance for Cardiovascular phenotype. Last evaluated: 2025-12-15. Review status: criteria provided, single submitter. Criteria: Ambry Variant Classification Scheme 2023. Collection method: clinical testing. Allele origin: germline.
Comment: The p.E448G variant (also known as c.1343A>G), located in coding exon 9 of the CBL gene, results from an A to G substitution at nucleotide position 1343. The glutamic acid at codon 448 is replaced by glycine, an amino acid with similar properties. This amino acid position is conserved. In addition, the in silico prediction for this alteration is inconclusive. Based on the available evidence, the clinical significance of this variant remains unclear.

NM_005188.4(CBL):c.1343A>G (p.Glu448Gly)

Gene: CBL (Cbl proto-oncogene; plus strand). Cytogenetic location: 11q23.3.
Variant type: single nucleotide variant.
Coding change: c.1343A>G on transcript NM_005188.4 (MANE Select); coding-DNA position 1343, A replaced by G.
Protein change: p.Glu448Gly; replaces glutamic acid 448 with glycine.
Molecular consequence: missense variant.
Genome position (GRCh38, 1-based): chr11:119,278,625, A>G. VCF-style: chr11-119278625-A-G. GRCh37 (hg19) VCF-style: chr11-119149335-A-G.
Other names: short protein forms E448G.
Identifiers: ClinVar variation 4843610 (VCV004843610.1).